The following is an entry in ClinVar:

ClinVar aggregate classification (germline): Pathogenic. Review status: reviewed by expert panel (3 of 4 stars). 2 submissions from 2 submitters: Pathogenic (1). 1 of the submissions does not count toward it. Last evaluated 2025-04-15.

Conditions:
Glanzmann thrombasthenia. Also called: THROMBASTHENIA OF GLANZMANN AND NAEGELI; Thrombasthenia; Glanzmann's thrombasthenia; PLATELET GLYCOPROTEIN IIb-IIIa DEFICIENCY. Identifiers: Orphanet 849, MedGen C0040015, MONDO:0100326.
ITGA2B-related disorder. Also called: ITGA2B-related condition; ITGA2B-related disorders.

Submissions (2):

ClinGen Platelet Disorders Variant Curation Expert Panel, ClinGen
Classification: Pathogenic for Glanzmann thrombasthenia. Last evaluated: 2025-04-15. Review status: reviewed by expert panel. Criteria: ClinGen Platelet ACMG Specifications v2-1. Collection method: curation. Allele origin: germline. Inheritance: Autosomal recessive inheritance.
Comment: The c.224del (p.Gly75AlafsTer36) variant in exon 2 is a frameshift variant predicted to cause a premature stop codon in biologically-relevant-exon 3/30 and is predicted to lead to nonsense mediated decay in a gene in which loss-of-function is an established disease mechanism (PVS1). The highest population minor allele frequency in gnomAD v4.1 is 0.00001677 (1/59616 alleles) in the Admixed American population, which is lower than the ClinGen PD VCEP threshold (<0.0001; PM2_Supporting). This variant has not been reported in patients with GT in the literature, to the best of our knowledge. In summary, this variant meets the criteria to be classified as pathogenic for autosomal recessive Glanzmann Thrombasthenia based on the ACMG/AMP criteria applied, as specified by the ClinGen PD VCEP: PVS1, PM2_Supporting, PM3_supporting. (VCEP specifications version 2)

Women's Health and Genetics/Laboratory Corporation of America, LabCorp
Classification: Likely pathogenic for ITGA2B-Related Disorders. Last evaluated: 2023-04-12. Review status: criteria provided, single submitter. Criteria: LabCorp Variant Classification Summary - May 2015. Collection method: clinical testing. Allele origin: germline. Not counted in ClinVar's aggregate classification.
Comment: Variant summary: ITGA2B c.224delG (p.Gly75AlafsX36) results in a premature termination codon, predicted to cause a truncation of the encoded protein or absence of the protein due to nonsense mediated decay, which are commonly known mechanisms for disease. Truncations downstream of this position have been classified as pathogenic in ClinVar. The variant allele was found at a frequency of 4.3e-06 in 233746 control chromosomes (gnomAD). To our knowledge, no occurrence of c.224delG in individuals affected with ITGA2B-Related Disorders and no experimental evidence demonstrating its impact on protein function have been reported. One clinical diagnostic laboratory has submitted clinical-significance assessments for this variant to ClinVar after 2014 and classified the variant as likely pathogenic. Based on the evidence outlined above, the variant was classified as likely pathogenic.

NM_000419.5(ITGA2B):c.224del (p.Gly75fs)

Gene: ITGA2B (integrin subunit alpha 2b; minus strand). Cytogenetic location: 17q21.31.
Variant type: Deletion.
Coding change: c.224del on transcript NM_000419.5 (MANE Select); coding-DNA position 224, one base deleted (G; older notation c.224delG).
Protein change: p.Gly75fs; shifts the reading frame from glycine 75.
Molecular consequence: frameshift variant.
Genome position (GRCh38, 1-based): chr17:44,386,096, C deleted on the plus strand (G on the coding strand, the reverse complement: ITGA2B is on the minus strand); the first of 3 consecutive C bases (chr17:44,386,096-44,386,098); deleting any one gives the same sequence. VCF-style (leftmost placement, unchanged base first): chr17-44386095-GC-G. GRCh37 (hg19) VCF-style: chr17-42463463-GC-G.
Other names: NM_000419.5:c.224del; c.224delG (NM_000419.4); short protein forms G75fs.
Identifiers: ClinVar variation 1691491 (VCV001691491.4), dbSNP rs1567906131, ClinGen allele CA626224378.